The following is an entry in ClinVar:

NM_000051.4(ATM):c.4170T>G (p.Phe1390Leu)

Gene: ATM (ATM serine/threonine kinase; plus strand). Cytogenetic location: 11q22.3.
Variant type: single nucleotide variant.
Coding change: c.4170T>G on transcript NM_000051.4 (MANE Select); coding-DNA position 4170, T replaced by G.
Protein change: p.Phe1390Leu; replaces phenylalanine 1390 with leucine.
Molecular consequence: missense variant.
Genome position (GRCh38, 1-based): chr11:108,289,037, T>G. VCF-style: chr11-108289037-T-G. GRCh37 (hg19) VCF-style: chr11-108159764-T-G.
Other names: c.4170T>G, p.Phe1390Leu (NM_001351834.2); short protein forms F1390L.
Identifiers: ClinVar variation 3801015 (VCV003801015.1).

ClinVar aggregate classification (germline): Uncertain significance (1 of 4 stars; one submission).

Conditions:
Hereditary cancer-predisposing syndrome. Also called: Neoplastic Syndromes, Hereditary; Hereditary Cancer Syndrome; Tumor predisposition; Hereditary neoplastic syndrome. Identifiers: Orphanet 140162, MedGen C0027672, MeSH D009386, MONDO:0015356.

Submission:

Ambry Genetics
Classification: Uncertain significance for Hereditary cancer-predisposing syndrome. Last evaluated: 2024-12-12. Review status: criteria provided, single submitter. Criteria: Ambry Variant Classification Scheme 2023. Collection method: clinical testing. Allele origin: germline.
Comment: The p.F1390L variant (also known as c.4170T>G), located in coding exon 27 of the ATM gene, results from a T to G substitution at nucleotide position 4170. The phenylalanine at codon 1390 is replaced by leucine, an amino acid with highly similar properties. This amino acid position is not well conserved in available vertebrate species. In addition, this alteration is predicted to be tolerated by in silico analysis. Based on the available evidence, the clinical significance of this variant remains unclear.